The following is an entry in ClinVar:

ClinVar aggregate classification (germline): Uncertain significance (1 of 4 stars; one submission).

Conditions:
Familial thoracic aortic aneurysm and aortic dissection (TAAD). Also called: Thoracic aortic aneurysms and dissections. Identifiers: Orphanet 91387, MedGen C4707243, MONDO:0019625.

Submission:

Labcorp Genetics (formerly Invitae), Labcorp
Classification: Uncertain significance for Familial thoracic aortic aneurysm and aortic dissection. Last evaluated: 2023-11-27. Review status: criteria provided, single submitter. Criteria: Invitae Variant Classification Sherloc (09022015). Collection method: clinical testing. Allele origin: germline.
Comment: This sequence change replaces proline, which is neutral and non-polar, with serine, which is neutral and polar, at codon 29 of the TGFBR1 protein (p.Pro29Ser). The frequency data for this variant in the population databases is considered unreliable, as metrics indicate insufficient coverage at this position in the gnomAD database. This variant has not been reported in the literature in individuals affected with TGFBR1-related conditions. Advanced modeling of protein sequence and biophysical properties (such as structural, functional, and spatial information, amino acid conservation, physicochemical variation, residue mobility, and thermodynamic stability) performed at Invitae indicates that this missense variant is not expected to disrupt TGFBR1 protein function with a negative predictive value of 95%. In summary, the available evidence is currently insufficient to determine the role of this variant in disease. Therefore, it has been classified as a Variant of Uncertain Significance.

NM_004612.4(TGFBR1):c.85C>T (p.Pro29Ser)

Gene: TGFBR1 (transforming growth factor beta receptor 1; plus strand). Cytogenetic location: 9q22.33.
Variant type: single nucleotide variant.
Coding change: c.85C>T on transcript NM_004612.4 (MANE Select); coding-DNA position 85, C replaced by T.
Protein change: p.Pro29Ser; replaces proline 29 with serine.
Molecular consequence: missense variant. On other transcripts: 5 prime UTR variant (5), non-coding transcript variant (4), intron variant (8).
Genome position (GRCh38, 1-based): chr9:99,105,290, C>T. VCF-style: chr9-99105290-C-T. GRCh37 (hg19) VCF-style: chr9-101867572-C-T.
Other names: c.85C>T, p.Pro29Ser (NM_001130916.3, NM_001306210.2, NM_001407416.1 and 5 more transcripts); c.-259C>T (NM_001407420.1, NM_001407429.1); c.-228C>T (NM_001407422.1, NM_001407426.1); c.-183C>T (NM_001407428.1); c.-111+1549C>T (NM_001407418.1, NM_001407423.1); c.-111+1184C>T (NM_001407424.1); c.-111+771C>T (NM_001407425.1); c.-111+564C>T (NM_001407434.1); and 2 more; short protein forms P29S.
Identifiers: ClinVar variation 2779203 (VCV002779203.3), dbSNP rs2490933598, ClinGen allele CA374223864.
Genomic context (GRCh38, chr9:99,105,290, plus strand): 5'-CGTCCCCGGCTGCTCCTCCTCGTGCTGGCGGCGGCGGCGGCGGCGGCGGCGGCGCTGCTC[C>T]CGGGGGCGACGGGTGAGCGGCGGCGCGGCGGGCGGGCGACTGCGGGGCGCGCGGGCCGGA-3'
Protein context (NP_004603.1, residues 19-39): AAAAAAAALL[Pro29Ser]GATALQCFCH